The following is an entry in ClinVar:

NM_003002.4(SDHD):c.274G>A (p.Asp92Asn)

Gene: SDHD (succinate dehydrogenase complex subunit D; plus strand). Cytogenetic location: 11q23.1.
Variant type: single nucleotide variant.
Coding change: c.274G>A on transcript NM_003002.4 (MANE Select); coding-DNA position 274, G replaced by A.
Protein change: p.Asp92Asn; replaces aspartic acid 92 with asparagine.
Molecular consequence: missense variant. On other transcripts: non-coding transcript variant (1), intron variant (1).
Genome position (GRCh38, 1-based): chr11:112,088,971, G>A. VCF-style: chr11-112088971-G-A. GRCh37 (hg19) VCF-style: chr11-111959695-G-A.
Other names: c.157G>A, p.Asp53Asn (NM_001276504.2); c.274G>A, p.Asp92Asn (NM_001276506.2); c.169+998G>A (NM_001276503.2); short protein forms D92N, D53N.
Identifiers: ClinVar variation 2948797 (VCV002948797.3), dbSNP rs80338845, ClinGen allele CA382617360.
Genomic context (GRCh38, chr11:112,088,971, plus strand): 5'-GTCAGTGTTTTGCTCCTGGGTCTGCTTCCGGCTGCTTATTTGAATCCTTGCTCTGCGATG[G>A]ACTATTCCCTGGCTGCAGCCCTCACTCTTCATGGTCACTGGCAAGTATAGCAATTCCAAA-3'
Protein context (NP_002993.1, residues 82-102): AAYLNPCSAM[Asp92Asn]YSLAAALTLH

ClinVar aggregate classification (germline): Uncertain significance (1 of 4 stars; one submission).

Conditions:
Carney-Stratakis syndrome. Also called: PARAGANGLIOMA AND GASTROINTESTINAL STROMAL TUMOR. Identifiers: Orphanet 97286, MedGen C1847319, MONDO:0011740, OMIM 606864.
Cowden syndrome 3 (CWS3). Identifiers: Orphanet 201, MedGen CN166604, MONDO:0014045.
Pheochromocytoma. Also called: MAX-Related Hereditary Paraganglioma-Pheochromocytoma Syndrome. Identifiers: Orphanet 29072, MedGen C0031511, MONDO:0008233, OMIM 171300, HP:0002666.
Paragangliomas with sensorineural hearing loss. Identifiers: MedGen C1868633.

Submission:

Labcorp Genetics (formerly Invitae), Labcorp
Classification: Uncertain significance for Carney-Stratakis syndrome; Paragangliomas with sensorineural hearing loss; Pheochromocytoma; Cowden syndrome 3. Last evaluated: 2023-06-13. Review status: criteria provided, single submitter. Criteria: Invitae Variant Classification Sherloc (09022015). Collection method: clinical testing. Allele origin: germline.
Comment: This sequence change replaces aspartic acid, which is acidic and polar, with asparagine, which is neutral and polar, at codon 92 of the SDHD protein (p.Asp92Asn). This variant is not present in population databases (gnomAD no frequency). This variant has not been reported in the literature in individuals affected with SDHD-related conditions. Advanced modeling of protein sequence and biophysical properties (such as structural, functional, and spatial information, amino acid conservation, physicochemical variation, residue mobility, and thermodynamic stability) has been performed at Invitae for this missense variant, however the output from this modeling did not meet the statistical confidence thresholds required to predict the impact of this variant on SDHD protein function. This variant disrupts the p.Asp92 amino acid residue in SDHD. Other variant(s) that disrupt this residue have been determined to be pathogenic (PMID: 19584903, 21348866, 26008905). This suggests that this residue is clinically significant, and that variants that disrupt this residue are likely to be disease-causing. In summary, the available evidence is currently insufficient to determine the role of this variant in disease. Therefore, it has been classified as a Variant of Uncertain Significance.

Literature cited by the submitters: PubMed 19584903; PubMed 21348866; PubMed 26008905.